The following is an entry in ClinVar:

ClinVar aggregate classification (germline): Uncertain significance (1 of 4 stars; one submission).

Conditions:
Developmental and epileptic encephalopathy, 30 (DEE30). Also called: Epileptic encephalopathy, early infantile, 30. Identifiers: MedGen C4225360, MONDO:0014595, OMIM 616341.

Submission:

Labcorp Genetics (formerly Invitae), Labcorp
Classification: Uncertain significance for Developmental and epileptic encephalopathy, 30. Last evaluated: 2023-10-29. Review status: criteria provided, single submitter. Criteria: Invitae Variant Classification Sherloc (09022015). Collection method: clinical testing. Allele origin: germline.
Comment: This sequence change replaces alanine, which is neutral and non-polar, with threonine, which is neutral and polar, at codon 676 of the SIK1 protein (p.Ala676Thr). This variant is not present in population databases (gnomAD no frequency). This variant has not been reported in the literature in individuals affected with SIK1-related conditions. Advanced modeling of protein sequence and biophysical properties (such as structural, functional, and spatial information, amino acid conservation, physicochemical variation, residue mobility, and thermodynamic stability) performed at Invitae indicates that this missense variant is not expected to disrupt SIK1 protein function with a negative predictive value of 95%. In summary, the available evidence is currently insufficient to determine the role of this variant in disease. Therefore, it has been classified as a Variant of Uncertain Significance.

NM_173354.5(SIK1):c.2026G>A (p.Ala676Thr)

Gene: SIK1 (salt inducible kinase 1; minus strand). Cytogenetic location: 21q22.3.
Variant type: single nucleotide variant.
Coding change: c.2026G>A on transcript NM_173354.5 (MANE Select); coding-DNA position 2026, G replaced by A.
Protein change: p.Ala676Thr; replaces alanine 676 with threonine.
Molecular consequence: missense variant.
Genome position (GRCh38, 1-based): chr21:43,417,068, C>T on the plus strand (G>A on the coding strand, the complement: SIK1 is on the minus strand). VCF-style: chr21-43417068-C-T. GRCh37 (hg19) VCF-style: chr21-44836948-C-T.
Other names: short protein forms A676T.
Identifiers: ClinVar variation 2772623 (VCV002772623.3), dbSNP rs2516964009, ClinGen allele CA410606800.